The following is an entry in ClinVar:

NM_198053.3(CD247):c.495A>C (p.Ter165Tyr)

Gene: CD247 (CD247 molecule; minus strand). Cytogenetic location: 1q24.2.
Variant type: single nucleotide variant.
Coding change: c.495A>C on transcript NM_198053.3 (MANE Select); coding-DNA position 495, A replaced by C.
Protein change: p.Ter165Tyr.
Molecular consequence: stop lost.
Genome position (GRCh38, 1-based): chr1:167,431,681, T>G on the plus strand (A>C on the coding strand, the complement: CD247 is on the minus strand). VCF-style: chr1-167431681-T-G. GRCh37 (hg19) VCF-style: chr1-167400918-T-G.
Other names: *195Y; *164Y; *165Y; *196Y; c.492A>C, p.Ter164Tyr (NM_000734.4); c.588A>C, p.Ter196Tyr (NM_001378515.1); c.585A>C, p.Ter195Tyr (NM_001378516.1).
Identifiers: ClinVar variation 939907 (VCV000939907.6), dbSNP rs1651272129, ClinGen allele CA343461604.
Genomic context (GRCh38, chr1:167,431,681, plus strand): 5'-TGTGTCTCATAATCTGGGCGTCTGCAGGTCTGGCCTTTGAGTGGTGAAATCCCCTGGCTG[T>G]TAGCGAGGGGGCAGGGCCTGCATGTGAAGGGCGTCGTAGGTGTCCTTGGTGGCTGTACTG-3'

ClinVar aggregate classification (germline): Uncertain significance (1 of 4 stars; one submission).

Conditions:
Immunodeficiency 25. Also called: Immunodeficiency due to defect in cd3-zeta, somatic. Identifiers: MedGen C1857798, MONDO:0012426, OMIM 610163.

Allele frequency attached by ClinVar (database versions not stated): gnomAD 0.00001.
gnomAD v4.1: 1 of 1,612,778 alleles (0.000062%); highest among the groups gnomAD compares: Admixed American, 0.0017%; no homozygotes.

Submission:

Labcorp Genetics (formerly Invitae), Labcorp
Classification: Uncertain significance for Immunodeficiency 25. Last evaluated: 2020-07-08. Review status: criteria provided, single submitter. Criteria: Invitae Variant Classification Sherloc (09022015). Collection method: clinical testing. Allele origin: germline.
Comment: This sequence change disrupts the translational stop signal of the CD247 mRNA. It is expected to extend the length of the CD247 protein by 18 additional amino acid residues. This variant is not present in population databases (ExAC no frequency). This variant has not been reported in the literature in individuals with CD247-related conditions. Experimental studies and prediction algorithms are not available or were not evaluated for this variant, and the functional significance of this variant is currently unknown. In summary, the available evidence is currently insufficient to determine the role of this variant in disease. Therefore, it has been classified as a Variant of Uncertain Significance.